The following is an entry in ClinVar:

ClinVar aggregate classification (germline): Uncertain significance. Review status: criteria provided, multiple submitters, no conflicts (2 of 4 stars). 3 submissions from 3 submitters: Uncertain significance (3). Last evaluated 2026-06-10.

Conditions:
Ehlers-Danlos syndrome, classic type, 1 (EDSCL1). Also called: EHLERS-DANLOS SYNDROME, GRAVIS TYPE; EHLERS-DANLOS SYNDROME, SEVERE CLASSIC TYPE; Ehlers-Danlos syndrome, type 1; Ehlers-Danlos Syndrome, Classic Type, COL5A1-Related; EDS I. Identifiers: MedGen C0268335, MONDO:0019567, OMIM 130000.
Familial thoracic aortic aneurysm and aortic dissection (TAAD). Also called: Thoracic aortic aneurysms and dissections. Identifiers: Orphanet 91387, MedGen C4707243, MONDO:0019625.

Allele frequency attached by ClinVar (database versions not stated): gnomAD exomes 0.00001; gnomAD 0.00001; TOPMed 0.00001.
gnomAD v4.1: 13 of 1,613,878 alleles (0.00081%); highest among the groups gnomAD compares: Non-Finnish European, 0.0011%; no homozygotes.

Submissions (3):

GeneDx
Classification: Uncertain significance. Last evaluated: 2026-06-10. Review status: criteria provided, single submitter. Criteria: GeneDx Variant Classification Process June 2021. Collection method: clinical testing. Allele origin: germline.
Comment: Not observed at significant frequency in large population cohorts (gnomAD); In silico analysis supports that this missense variant has a deleterious effect on protein structure/function; Not located in the triple helical region, where the majority of pathogenic missense variants occur (PMID: 22696272; HGMD); Has not been previously published as pathogenic or benign to our knowledge; This variant is associated with the following publications: (PMID: 22696272)

Ambry Genetics
Classification: Uncertain significance for Familial thoracic aortic aneurysm and aortic dissection. Last evaluated: 2022-09-12. Review status: criteria provided, single submitter. Criteria: Ambry Variant Classification Scheme 2023. Collection method: clinical testing. Allele origin: germline.
Comment: The p.P97S variant (also known as c.289C>T), located in coding exon 3 of the COL5A1 gene, results from a C to T substitution at nucleotide position 289. The proline at codon 97 is replaced by serine, an amino acid with similar properties. This amino acid position is highly conserved in available vertebrate species. In addition, the in silico prediction for this alteration is inconclusive. Since supporting evidence is limited at this time, the clinical significance of this alteration remains unclear.

Labcorp Genetics (formerly Invitae), Labcorp
Classification: Uncertain significance for Ehlers-Danlos syndrome, classic type, 1. Last evaluated: 2021-11-14. Review status: criteria provided, single submitter. Criteria: Invitae Variant Classification Sherloc (09022015). Collection method: clinical testing. Allele origin: germline.
Comment: In summary, the available evidence is currently insufficient to determine the role of this variant in disease. Therefore, it has been classified as a Variant of Uncertain Significance. Advanced modeling of protein sequence and biophysical properties (such as structural, functional, and spatial information, amino acid conservation, physicochemical variation, residue mobility, and thermodynamic stability) performed at Invitae indicates that this missense variant is not expected to disrupt COL5A1 protein function. This variant has not been reported in the literature in individuals affected with COL5A1-related conditions. This variant is not present in population databases (gnomAD no frequency). This sequence change replaces proline, which is neutral and non-polar, with serine, which is neutral and polar, at codon 97 of the COL5A1 protein (p.Pro97Ser).

NM_000093.5(COL5A1):c.289C>T (p.Pro97Ser)

Gene: COL5A1 (collagen type V alpha 1 chain; plus strand). Cytogenetic location: 9q34.3.
Variant type: single nucleotide variant.
Coding change: c.289C>T on transcript NM_000093.5 (MANE Select); coding-DNA position 289, C replaced by T.
Protein change: p.Pro97Ser; replaces proline 97 with serine.
Molecular consequence: missense variant.
Genome position (GRCh38, 1-based): chr9:134,699,920, C>T. VCF-style: chr9-134699920-C-T. GRCh37 (hg19) VCF-style: chr9-137591766-C-T.
Other names: c.289C>T, p.Pro97Ser (NM_001278074.1); short protein forms P97S.
Identifiers: ClinVar variation 1496362 (VCV001496362.10), dbSNP rs1189111524, ClinGen allele CA375442320.